The following is an entry in ClinVar:

NM_003482.4(KMT2D):c.8207_8210dup (p.Pro2738fs)

Gene: KMT2D (lysine methyltransferase 2D; minus strand). Cytogenetic location: 12q13.12.
Variant type: Duplication.
Coding change: c.8207_8210dup on transcript NM_003482.4 (MANE Select); coding-DNA positions 8207 to 8210, 4 bases duplicated (AGAC; older notation c.8207_8210dupAGAC).
Protein change: p.Pro2738fs; shifts the reading frame from proline 2738.
Molecular consequence: frameshift variant.
Genome position (GRCh38, 1-based): chr12:49,039,454-49,039,457, GTCT duplicated on the plus strand (AGAC on the coding strand, the reverse complement: KMT2D is on the minus strand); duplicating any 4 consecutive bases within chr12:49,039,454-49,039,458 gives the same sequence; the c. name uses the placement nearest the transcript's 3' end. VCF-style (leftmost placement, unchanged base first): chr12-49039453-G-GGTCT. GRCh37 (hg19) VCF-style: chr12-49433236-G-GGTCT.
Other names: c.8207_8210dupAGAC (NM_003482.3); short protein forms P2738fs.
Identifiers: ClinVar variation 463022 (VCV000463022.6), dbSNP rs1555191521, ClinGen allele CA658656292.

ClinVar aggregate classification (germline): Pathogenic (1 of 4 stars; one submission).

Conditions:
Kabuki syndrome. Also called: NIIKAWA-KUROKI SYNDROME; Kabuki make-up syndrome. Identifiers: Orphanet 2322, MedGen C0796004, MONDO:0016512.

Submission:

Labcorp Genetics (formerly Invitae), Labcorp
Classification: Pathogenic for Kabuki syndrome. Last evaluated: 2017-05-26. Review status: criteria provided, single submitter. Criteria: Invitae Variant Classification Sherloc (09022015). Collection method: clinical testing. Allele origin: germline.
Comment: For these reasons, this variant has been classified as Pathogenic. While this particular variant has not been reported in the literature, loss-of-function variants in KMT2D are known to be pathogenic (PMID: 24633898, 22126750). This variant is not present in population databases (ExAC no frequency). This sequence change creates a premature translational stop signal (p.Pro2738Aspfs*32) in the KMT2D gene. It is expected to result in an absent or disrupted protein product.

Literature cited by the submitters: PubMed 24633898; PubMed 22126750.